The following is an entry in ClinVar:

ClinVar aggregate classification (germline): Likely benign. Review status: criteria provided, multiple submitters, no conflicts (2 of 4 stars). 3 submissions from 3 submitters: Likely benign (3). Last evaluated 2026-01-31.

Conditions:
EGFR-related lung cancer (EGFR). Identifiers: MedGen CN130014.
Hereditary cancer-predisposing syndrome. Also called: Tumor predisposition; Hereditary neoplastic syndrome; Hereditary Cancer Syndrome; Neoplastic Syndromes, Hereditary. Identifiers: Orphanet 140162, MedGen C0027672, MeSH D009386, MONDO:0015356.

Allele frequency attached by ClinVar (database versions not stated): gnomAD exomes 0.00001; ExAC 0.00002.
gnomAD v4.1: 45 of 1,518,170 alleles (0.003%); highest among the groups gnomAD compares: African/African-American, 0.052%; no homozygotes.

Submissions (3):

Labcorp Genetics (formerly Invitae), Labcorp
Classification: Likely benign for EGFR-related lung cancer. Last evaluated: 2026-01-31. Review status: criteria provided, single submitter. Criteria: Invitae Variant Classification Sherloc (09022015). Collection method: clinical testing. Allele origin: germline.

Ambry Genetics
Classification: Likely benign for Hereditary cancer-predisposing syndrome. Last evaluated: 2025-01-02. Review status: criteria provided, single submitter. Criteria: Ambry Variant Classification Scheme 2023. Collection method: clinical testing. Allele origin: germline.

CeGaT Center for Human Genetics Tuebingen
Classification: Likely benign. Last evaluated: 2023-10-01. Review status: criteria provided, single submitter. Criteria: CeGaT Center For Human Genetics Tuebingen Variant Classification Criteria Version 2. Collection method: clinical testing. Allele origin: germline. Affected: yes. Observed: 1 variant allele.
Comment: EGFR: BP4, BP7

NM_005228.5(EGFR):c.30G>T (p.Ala10=)

Gene: EGFR (epidermal growth factor receptor; plus strand). Cytogenetic location: 7p11.2.
Variant type: single nucleotide variant.
Coding change: c.30G>T on transcript NM_005228.5 (MANE Select); coding-DNA position 30, G replaced by T.
Protein change: p.Ala10=; no amino-acid change (alanine 10 retained).
Molecular consequence: synonymous variant.
Genome position (GRCh38, 1-based): chr7:55,019,307, G>T. VCF-style: chr7-55019307-G-T. GRCh37 (hg19) VCF-style: chr7-55087000-G-T.
Other names: c.30G>T, p.Ala10= (NM_001346897.2, NM_001346898.2, NM_001346899.2 and 4 more transcripts); c.30G>T (NM_005228.3).
Identifiers: ClinVar variation 1141613 (VCV001141613.34), dbSNP rs757936561, ClinGen allele CA4265106.